The following is an entry in ClinVar:

ClinVar aggregate classification (germline): Uncertain significance (1 of 4 stars; one submission).

Conditions:
Autoimmune lymphoproliferative syndrome type 2B. Also called: AUTOIMMUNE LYMPHOPROLIFERATIVE SYNDROME, TYPE IIB. Identifiers: Orphanet 275517, MedGen C1846545, MONDO:0011804, OMIM 607271.

Allele frequency attached by ClinVar (database versions not stated): TOPMed below 0.00001; gnomAD 0.00001.
gnomAD v4.1: 1 of 1,613,740 alleles (0.000062%); highest among the groups gnomAD compares: Admixed American, 0.0017%; no homozygotes.

Submission:

Labcorp Genetics (formerly Invitae), Labcorp
Classification: Uncertain significance for Autoimmune lymphoproliferative syndrome type 2B. Last evaluated: 2021-01-08. Review status: criteria provided, single submitter. Criteria: Invitae Variant Classification Sherloc (09022015). Collection method: clinical testing. Allele origin: germline.
Comment: This sequence change replaces arginine with glycine at codon 277 of the CASP8 protein (p.Arg277Gly). The arginine residue is highly conserved and there is a moderate physicochemical difference between arginine and glycine. This variant is not present in population databases (ExAC no frequency). This variant has not been reported in the literature in individuals with CASP8-related disease. Algorithms developed to predict the effect of missense changes on protein structure and function (SIFT, PolyPhen-2, Align-GVGD) all suggest that this variant is likely to be disruptive, but these predictions have not been confirmed by published functional studies and their clinical significance is uncertain. In summary, the available evidence is currently insufficient to determine the role of this variant in disease. Therefore, it has been classified as a Variant of Uncertain Significance.

NM_001372051.1(CASP8):c.778A>G (p.Arg260Gly)

Gene: CASP8 (caspase 8; plus strand). Cytogenetic location: 2q33.1.
Variant type: single nucleotide variant.
Coding change: c.778A>G on transcript NM_001372051.1 (MANE Select); coding-DNA position 778, A replaced by G.
Protein change: p.Arg260Gly; replaces arginine 260 with glycine.
Molecular consequence: missense variant. On other transcripts: 3 prime UTR variant (1), non-coding transcript variant (21), intron variant (4).
Genome position (GRCh38, 1-based): chr2:201,276,944, A>G. VCF-style: chr2-201276944-A-G. GRCh37 (hg19) VCF-style: chr2-202141667-A-G.
Other names: c.733A>G, p.Arg245Gly (NM_001080124.2, NM_001400658.1, NM_001400659.1 and 5 more transcripts); c.955A>G, p.Arg319Gly (NM_001080125.2); c.829A>G, p.Arg277Gly (NM_001228.5); c.910A>G, p.Arg304Gly (NM_001400642.1); c.811A>G, p.Arg271Gly (NM_001400645.1); c.778A>G, p.Arg260Gly (NM_001400648.1, NM_001400651.1, NM_001400653.1 and 6 more transcripts); c.709A>G, p.Arg237Gly (NM_001400664.1); c.469A>G, p.Arg157Gly (NM_001400669.1); and 7 more; short protein forms R245G, R277G, R260G, R319G, R157G, R237G, R271G, R304G.
Identifiers: ClinVar variation 654340 (VCV000654340.8), dbSNP rs1350639573, ClinGen allele CA350294552.